The following is an entry in ClinVar:

NM_205768.3(ZBTB18):c.996G>C (p.Leu332Phe)

Gene: ZBTB18 (zinc finger and BTB domain containing 18; plus strand). Cytogenetic location: 1q44.
Variant type: single nucleotide variant.
Coding change: c.996G>C on transcript NM_205768.3 (MANE Select); coding-DNA position 996, G replaced by C.
Protein change: p.Leu332Phe; replaces leucine 332 with phenylalanine.
Molecular consequence: missense variant. On other transcripts: 3 prime UTR variant (1).
Genome position (GRCh38, 1-based): chr1:244,054,770, G>C. VCF-style: chr1-244054770-G-C. GRCh37 (hg19) VCF-style: chr1-244218072-G-C.
Other names: c.969G>C, p.Leu323Phe (NM_001278196.2, NM_006352.5); c.*173G>C (NM_001421566.1); short protein forms L323F, L332F.
Identifiers: ClinVar variation 4811396 (VCV004811396.1).

ClinVar aggregate classification (germline): Uncertain significance (1 of 4 stars; one submission).

Submission:

Labcorp Genetics (formerly Invitae), Labcorp
Classification: Uncertain significance. Last evaluated: 2025-04-12. Review status: criteria provided, single submitter. Criteria: Invitae Variant Classification Sherloc (09022015). Collection method: clinical testing. Allele origin: germline.
Comment: This sequence change replaces leucine, which is neutral and non-polar, with phenylalanine, which is neutral and non-polar, at codon 332 of the ZBTB18 protein (p.Leu332Phe). This variant is not present in population databases (gnomAD no frequency). This variant has not been reported in the literature in individuals affected with ZBTB18-related conditions. Invitae Evidence Modeling of protein sequence and biophysical properties (such as structural, functional, and spatial information, amino acid conservation, physicochemical variation, residue mobility, and thermodynamic stability) indicates that this missense variant is not expected to disrupt ZBTB18 protein function with a negative predictive value of 95%. In summary, the available evidence is currently insufficient to determine the role of this variant in disease. Therefore, it has been classified as a Variant of Uncertain Significance.